The following is an entry in ClinVar:

NM_006514.4(SCN10A):c.2066T>C (p.Met689Thr)

Gene: SCN10A (sodium voltage-gated channel alpha subunit 10; minus strand). Cytogenetic location: 3p22.2.
Variant type: single nucleotide variant.
Coding change: c.2066T>C on transcript NM_006514.4 (MANE Select); coding-DNA position 2066, T replaced by C.
Protein change: p.Met689Thr; replaces methionine 689 with threonine.
Molecular consequence: missense variant.
Genome position (GRCh38, 1-based): chr3:38,742,331, A>G on the plus strand (T>C on the coding strand, the complement: SCN10A is on the minus strand). VCF-style: chr3-38742331-A-G. GRCh37 (hg19) VCF-style: chr3-38783822-A-G.
Other names: c.2066T>C, p.Met689Thr (NM_001293306.2); c.1772T>C, p.Met591Thr (NM_001293307.2); short protein forms M591T, M689T.
Identifiers: ClinVar variation 1056140 (VCV001056140.5), dbSNP rs2126014975, ClinGen allele CA352165039.

ClinVar aggregate classification (germline): Uncertain significance (1 of 4 stars; one submission).

Conditions:
Brugada syndrome. Also called: Sudden unexpected nocturnal death syndrome; Sudden unexplained nocturnal death syndrome; Sudden Unexplained Death Syndrome; Sudden Unexplained Nocturnal Death Syndrome (SUNDS). Identifiers: Orphanet 130, MedGen C1142166, MONDO:0015263.

Submission:

Labcorp Genetics (formerly Invitae), Labcorp
Classification: Uncertain significance for Brugada syndrome. Last evaluated: 2020-06-01. Review status: criteria provided, single submitter. Criteria: Invitae Variant Classification Sherloc (09022015). Collection method: clinical testing. Allele origin: germline.
Comment: In summary, the available evidence is currently insufficient to determine the role of this variant in disease. Therefore, it has been classified as a Variant of Uncertain Significance. Algorithms developed to predict the effect of missense changes on protein structure and function (SIFT, PolyPhen-2, Align-GVGD) all suggest that this variant is likely to be disruptive, but these predictions have not been confirmed by published functional studies and their clinical significance is uncertain. This variant has not been reported in the literature in individuals with SCN10A-related conditions. This variant is not present in population databases (ExAC no frequency). This sequence change replaces methionine with threonine at codon 689 of the SCN10A protein (p.Met689Thr). The methionine residue is highly conserved and there is a moderate physicochemical difference between methionine and threonine.